The following is an entry in ClinVar:

NM_015466.4(PTPN23):c.4324C>T (p.Leu1442Phe)

Gene: PTPN23 (protein tyrosine phosphatase non-receptor type 23; plus strand). Cytogenetic location: 3p21.31.
Variant type: single nucleotide variant.
Coding change: c.4324C>T on transcript NM_015466.4 (MANE Select); coding-DNA position 4324, C replaced by T.
Protein change: p.Leu1442Phe; replaces leucine 1442 with phenylalanine.
Molecular consequence: missense variant.
Genome position (GRCh38, 1-based): chr3:47,412,520, C>T. VCF-style: chr3-47412520-C-T. GRCh37 (hg19) VCF-style: chr3-47454010-C-T.
Other names: c.3946C>T, p.Leu1316Phe (NM_001304482.2); short protein forms L1316F, L1442F.
Identifiers: ClinVar variation 2106012 (VCV002106012.4), dbSNP rs1165420814, ClinGen allele CA352566697.

ClinVar aggregate classification (germline): Uncertain significance (1 of 4 stars; one submission).

Allele frequency attached by ClinVar (database versions not stated): gnomAD exomes below 0.00001.
gnomAD v4.1: 5 of 1,613,262 alleles (0.00031%); highest among the groups gnomAD compares: Non-Finnish European, 0.00042%; no homozygotes.

Submission:

Labcorp Genetics (formerly Invitae), Labcorp
Classification: Uncertain significance. Last evaluated: 2022-03-04. Review status: criteria provided, single submitter. Criteria: Invitae Variant Classification Sherloc (09022015). Collection method: clinical testing. Allele origin: germline.
Comment: In summary, the available evidence is currently insufficient to determine the role of this variant in disease. Therefore, it has been classified as a Variant of Uncertain Significance. Algorithms developed to predict the effect of missense changes on protein structure and function are either unavailable or do not agree on the potential impact of this missense change (SIFT: "Deleterious"; PolyPhen-2: "Probably Damaging"; Align-GVGD: "Class C0"). This variant has not been reported in the literature in individuals affected with PTPN23-related conditions. This variant is present in population databases (no rsID available, gnomAD 0.002%). This sequence change replaces leucine, which is neutral and non-polar, with phenylalanine, which is neutral and non-polar, at codon 1442 of the PTPN23 protein (p.Leu1442Phe).